The following is an entry in ClinVar:

ClinVar aggregate classification (germline): Likely pathogenic (1 of 4 stars; one submission).

Conditions:
Alstrom syndrome (ALMS). Identifiers: Orphanet 64, MedGen C0268425, MONDO:0008763, OMIM 203800.

Submission:

Myriad Genetics, Inc.
Classification: Likely pathogenic for Alstrom syndrome. Last evaluated: 2022-05-30. Review status: criteria provided, single submitter. Criteria: Myriad Women's Health Autosomal Recessive and X-Linked Classification Criteria (2021). Collection method: clinical testing. Allele origin: unknown.
Comment: NM_015120.4(ALMS1):c.6490G>T(E2164*) is expected to be pathogenic in the context of Alstrom syndrome. This variant is predicted to lead to an abnormal or absent protein product due to the creation of a premature termination codon in ALMS1, a gene where loss-of-function variants are known to be pathogenic. Please note: this variant was assessed in the context of healthy population screening.

NM_001378454.1(ALMS1):c.6487G>T (p.Glu2163Ter)

Gene: ALMS1 (ALMS1 centrosome and basal body associated protein; plus strand). Cytogenetic location: 2p13.1.
Variant type: single nucleotide variant.
Coding change: c.6487G>T on transcript NM_001378454.1 (MANE Select); coding-DNA position 6487, G replaced by T.
Protein change: p.Glu2163Ter; replaces glutamic acid 2163 with a stop codon.
Molecular consequence: nonsense.
Genome position (GRCh38, 1-based): chr2:73,453,014, G>T. VCF-style: chr2-73453014-G-T. GRCh37 (hg19) VCF-style: chr2-73680141-G-T.
Other names: c.6490G>T, p.Glu2164Ter (NM_015120.4); short protein forms E2163*, E2164*.
Identifiers: ClinVar variation 1726738 (VCV001726738.2), dbSNP rs2466109263, ClinGen allele CA347288073.
Genomic context (GRCh38, chr2:73,453,014, plus strand): 5'-TCACATCGAGAGAAACCAGATATTTTCTATCAAAAGGATTTGCCAGATAGACATCTAACT[G>T]AAGATGCTCTAAAGATCTCAAGTGCTCTTGGGCAAGCTGATCAAATTACCGGATTACAAA-3'